The following is an entry in ClinVar:

NM_001127511.3(APC):c.-118G>T

Gene: APC (APC regulator of Wnt signaling pathway; plus strand). Cytogenetic location: 5q22.2.
Variant type: single nucleotide variant.
Coding change: c.-118G>T on transcript NM_001127511.3; 118 bases upstream of the start codon, G replaced by T.
Molecular consequence: 5 prime UTR variant. On other transcripts: non-coding transcript variant (2).
Genome position (GRCh38, 1-based): chr5:112,707,600, G>T. VCF-style: chr5-112707600-G-T. GRCh37 (hg19) VCF-style: chr5-112043297-G-T.
Other names: c.-301G>T (NM_001354895.2, NM_001407447.1, NM_001407452.1 and 3 more transcripts); c.-118G>T (NM_001354897.2, NM_001354902.2, NM_001407446.1); c.-68G>T (NM_001407448.1, NM_001407450.1, NM_001407457.1 and 1 more transcripts); c.-92G>T (NM_001407453.1); c.-1336G>T (NM_001407470.1, NM_001407472.1).
Identifiers: ClinVar variation 537586 (VCV000537586.9), dbSNP rs1372371966, ClinGen allele CA658796613.

ClinVar aggregate classification (germline): Uncertain significance (1 of 4 stars; one submission).

Conditions:
Familial adenomatous polyposis 1 (FAP1). Also called: FAMILIAL ADENOMATOUS POLYPOSIS 1, ATTENUATED; POLYPOSIS, ADENOMATOUS INTESTINAL. Identifiers: MedGen C2713442, MONDO:0021056, OMIM 175100. Disease mechanism: loss of function.

Allele frequency attached by ClinVar (database versions not stated): TOPMed 0.00001; gnomAD 0.00001; 1000 Genomes Project 30x 0.00016.

Submission:

Labcorp Genetics (formerly Invitae), Labcorp
Classification: Uncertain significance for Familial adenomatous polyposis 1. Last evaluated: 2025-04-07. Review status: criteria provided, single submitter. Criteria: Invitae Variant Classification Sherloc (09022015). Collection method: clinical testing. Allele origin: germline.
Comment: This variant occurs in a non-coding region of the APC gene. It does not change the encoded amino acid sequence of the APC protein. This variant is not present in population databases (gnomAD no frequency). This variant has not been reported in the literature in individuals affected with APC-related conditions. ClinVar contains an entry for this variant (Variation ID: 537586). Experimental studies and prediction algorithms are not available or were not evaluated, and the functional significance of this variant is currently unknown. In summary, the available evidence is currently insufficient to determine the role of this variant in disease. Therefore, it has been classified as a Variant of Uncertain Significance.